The following is an entry in ClinVar:

ClinVar aggregate classification (germline): Pathogenic (1 of 4 stars; one submission).

Conditions:
RYR1-related disorder. Also called: RYR1-related disorders; RYR1-related condition. Identifiers: MedGen CN239331.

Submission:

Labcorp Genetics (formerly Invitae), Labcorp
Classification: Pathogenic for RYR1-related disorder. Last evaluated: 2025-07-20. Review status: criteria provided, single submitter. Criteria: Invitae Variant Classification Sherloc (09022015). Collection method: clinical testing. Allele origin: germline.
Comment: This sequence change creates a premature translational stop signal (p.Leu4163Trpfs*47) in the RYR1 gene. It is expected to result in an absent or disrupted protein product. Loss-of-function variants in RYR1 are known to be pathogenic (PMID: 23919265, 25960145, 28818389, 30611313). This variant is present in population databases (rs748048642, gnomAD 0.01%). This variant has not been reported in the literature in individuals affected with RYR1-related conditions. ClinVar contains an entry for this variant (Variation ID: 836033). For these reasons, this variant has been classified as Pathogenic.

Literature cited by the submitters: PubMed 23919265; PubMed 25960145; PubMed 28818389; PubMed 30611313.

NM_000540.3(RYR1):c.12487del (p.Leu4163fs)

Gene: RYR1 (ryanodine receptor 1; plus strand). Cytogenetic location: 19q13.2.
Variant type: Deletion.
Coding change: c.12487del on transcript NM_000540.3 (MANE Select); coding-DNA position 12487, one base deleted (C; older notation c.12487delC).
Protein change: p.Leu4163fs; shifts the reading frame from leucine 4163.
Molecular consequence: frameshift variant.
Genome position (GRCh38, 1-based): chr19:38,561,317, C deleted; the last of 2 consecutive C bases (chr19:38,561,316-38,561,317); deleting either gives the same sequence. VCF-style (leftmost placement, unchanged base first): chr19-38561315-TC-T. GRCh37 (hg19) VCF-style: chr19-39051955-TC-T.
Other names: c.12472del, p.Leu4158fs (NM_001042723.2); short protein forms L4158fs, L4163fs.
Identifiers: ClinVar variation 836033 (VCV000836033.7), dbSNP rs748048642, ClinGen allele CA058992.